The following is an entry in ClinVar:

ClinVar aggregate classification (germline): Uncertain significance (1 of 4 stars; one submission).

Allele frequency attached by ClinVar (database versions not stated): gnomAD exomes below 0.00001; ExAC 0.00001.
gnomAD v4.1: 3 of 1,614,168 alleles (0.00019%); highest among the groups gnomAD compares: Non-Finnish European, 0.00025%; no homozygotes.

Submission:

Labcorp Genetics (formerly Invitae), Labcorp
Classification: Uncertain significance. Last evaluated: 2021-04-13. Review status: criteria provided, single submitter. Criteria: Invitae Variant Classification Sherloc (09022015). Collection method: clinical testing. Allele origin: germline.
Comment: In summary, the available evidence is currently insufficient to determine the role of this variant in disease. Therefore, it has been classified as a Variant of Uncertain Significance. Algorithms developed to predict the effect of missense changes on protein structure and function are either unavailable or do not agree on the potential impact of this missense change (SIFT: "Deleterious"; PolyPhen-2: "Possibly Damaging"; Align-GVGD: "Class C0"). This variant has not been reported in the literature in individuals with WNT3-related conditions. This variant is present in population databases (rs780318283, ExAC 0.001%). This sequence change replaces glycine with aspartic acid at codon 291 of the WNT3 protein (p.Gly291Asp). The glycine residue is highly conserved and there is a moderate physicochemical difference between glycine and aspartic acid.

NM_030753.5(WNT3):c.872G>A (p.Gly291Asp)

Genes: LRRC37A2 (leucine rich repeat containing 37 member A2), WNT3 (Wnt family member 3; minus strand). Cytogenetic location: 17q21.31.
Variant type: single nucleotide variant.
Coding change: c.872G>A on transcript NM_030753.5 (MANE Select); coding-DNA position 872, G replaced by A.
Protein change: p.Gly291Asp; replaces glycine 291 with aspartic acid.
Molecular consequence: missense variant.
Genome position (GRCh38, 1-based): chr17:46,768,516, C>T on the plus strand (G>A on the coding strand, the complement: WNT3 is on the minus strand). VCF-style: chr17-46768516-C-T. GRCh37 (hg19) VCF-style: chr17-44845882-C-T.
Other names: short protein forms G291D.
Identifiers: ClinVar variation 1385419 (VCV001385419.8), dbSNP rs780318283, ClinGen allele CA8620526.